The following is an entry in ClinVar:

ClinVar aggregate classification (germline): Benign/Likely benign. Review status: criteria provided, multiple submitters, no conflicts (2 of 4 stars). 4 submissions from 4 submitters: Benign (1); Likely benign (3). Last evaluated 2025-08-18.

Conditions:
Autosomal dominant Parkinson disease 8. Also called: LRRK2-Related Parkinson Disease; Parkinson disease 8; Parkinson disease 8, susceptibility to. Identifiers: Orphanet 411602, MedGen C1846862, MONDO:0011764, OMIM 607060.

Allele frequency attached by ClinVar (database versions not stated): ESP Exome Variant Server 0.00015; gnomAD exomes 0.00016 and 0.00032; ExAC 0.00017; TOPMed 0.00018; gnomAD 0.00022 and 0.00023.
gnomAD v4.1: 290 of 1,612,662 alleles (0.018%); highest among the groups gnomAD compares: Non-Finnish European, 0.0039%; no homozygotes.

Submissions (4):

Labcorp Genetics (formerly Invitae), Labcorp
Classification: Benign for Autosomal dominant Parkinson disease 8. Last evaluated: 2025-08-18. Review status: criteria provided, single submitter. Criteria: Invitae Variant Classification Sherloc (09022015). Collection method: clinical testing. Allele origin: germline.

GeneDx
Classification: Likely benign. Last evaluated: 2021-03-18. Review status: criteria provided, single submitter. Criteria: GeneDx Variant Classification Process June 2021. Collection method: clinical testing. Allele origin: germline. Affected: yes.
Comment: In silico analysis supports that this missense variant has a deleterious effect on protein structure/function; Has not been previously published as pathogenic or benign to our knowledge

Illumina Laboratory Services, Illumina
Classification: Likely benign for Autosomal dominant Parkinson disease 8. Last evaluated: 2018-01-13. Review status: criteria provided, single submitter. Criteria: ICSL Variant Classification Criteria 13 December 2019. Collection method: clinical testing. Allele origin: germline.
Comment: This variant was observed in the ICSL laboratory as part of a predisposition screen in an ostensibly healthy population. It had not been previously curated by ICSL or reported in the Human Gene Mutation Database (HGMD: prior to June 1st, 2018), and was therefore a candidate for classification through an automated scoring system. Utilizing variant allele frequency, disease prevalence and penetrance estimates, and inheritance mode, an automated score was calculated to assess if this variant is too frequent to cause the disease. Based on the score and internal cut-off values, a variant classified as likely benign is not then subjected to further curation. The score for this variant resulted in a classification of likely benign for this disease.

Breakthrough Genomics
Classification: Likely benign. Review status: criteria provided, single submitter. Criteria: ACMG Guidelines, 2015. Collection method: not provided. Allele origin: germline. Inheritance: Autosomal dominant inheritance. Affected: yes.

NM_198578.4(LRRK2):c.2594C>T (p.Ser865Phe)

Gene: LRRK2 (leucine rich repeat kinase 2; plus strand). Cytogenetic location: 12q12.
Variant type: single nucleotide variant.
Coding change: c.2594C>T on transcript NM_198578.4 (MANE Select); coding-DNA position 2594, C replaced by T.
Protein change: p.Ser865Phe; replaces serine 865 with phenylalanine.
Molecular consequence: missense variant.
Genome position (GRCh38, 1-based): chr12:40,287,444, C>T. VCF-style: chr12-40287444-C-T. GRCh37 (hg19) VCF-style: chr12-40681246-C-T.
Other names: short protein forms S865F.
Identifiers: ClinVar variation 705830 (VCV000705830.17), dbSNP rs142700458, ClinGen allele CA6513684.